The following is an entry in ClinVar:

ClinVar aggregate classification (germline): Uncertain significance. Review status: criteria provided, multiple submitters, no conflicts (2 of 4 stars). 2 submissions from 2 submitters: Uncertain significance (2). Last evaluated 2025-08-09.

Conditions:
Inborn genetic diseases. Identifiers: MedGen C0950123, MeSH D030342.

gnomAD v4.1: 1 of 1,542,052 alleles (0.000065%); highest among the groups gnomAD compares: East Asian, 0.0024%; no homozygotes.

Submissions (2):

Ambry Genetics
Classification: Uncertain significance for Inborn genetic diseases. Last evaluated: 2025-08-09. Review status: criteria provided, single submitter. Criteria: Ambry Variant Classification Scheme 2023. Collection method: clinical testing. Allele origin: germline.

Labcorp Genetics (formerly Invitae), Labcorp
Classification: Uncertain significance. Last evaluated: 2022-08-23. Review status: criteria provided, single submitter. Criteria: Invitae Variant Classification Sherloc (09022015). Collection method: clinical testing. Allele origin: germline.
Comment: In summary, the available evidence is currently insufficient to determine the role of this variant in disease. Therefore, it has been classified as a Variant of Uncertain Significance. This sequence change replaces proline, which is neutral and non-polar, with arginine, which is basic and polar, at codon 524 of the BCL11B protein (p.Pro524Arg). This variant is not present in population databases (gnomAD no frequency). This variant has not been reported in the literature in individuals affected with BCL11B-related conditions. Algorithms developed to predict the effect of missense changes on protein structure and function are either unavailable or do not agree on the potential impact of this missense change (SIFT: "Deleterious"; PolyPhen-2: "Possibly Damaging"; Align-GVGD: "Class C0").

NM_138576.4(BCL11B):c.1571C>G (p.Pro524Arg)

Gene: BCL11B (BCL11 transcription factor B; minus strand). Cytogenetic location: 14q32.2.
Variant type: single nucleotide variant.
Coding change: c.1571C>G on transcript NM_138576.4 (MANE Select); coding-DNA position 1571, C replaced by G.
Protein change: p.Pro524Arg; replaces proline 524 with arginine.
Molecular consequence: missense variant.
Genome position (GRCh38, 1-based): chr14:99,175,265, G>C on the plus strand (C>G on the coding strand, the complement: BCL11B is on the minus strand). VCF-style: chr14-99175265-G-C. GRCh37 (hg19) VCF-style: chr14-99641602-G-C.
Other names: c.1568C>G, p.Pro523Arg (NM_001282237.2); c.1355C>G, p.Pro452Arg (NM_001282238.2); c.1358C>G, p.Pro453Arg (NM_022898.3); c.1571C>G (NM_138576.2); short protein forms P452R, P453R, P524R, P523R.
Identifiers: ClinVar variation 2088630 (VCV002088630.5), dbSNP rs778009843, ClinGen allele CA390935083.